The following is an entry in ClinVar:

NM_000059.4(BRCA2):c.8081T>C (p.Ile2694Thr)

Gene: BRCA2 (BRCA2 DNA repair associated; plus strand). Cytogenetic location: 13q13.1.
Variant type: single nucleotide variant.
Coding change: c.8081T>C on transcript NM_000059.4 (MANE Select); coding-DNA position 8081, T replaced by C.
Protein change: p.Ile2694Thr; replaces isoleucine 2694 with threonine.
Molecular consequence: missense variant.
Genome position (GRCh38, 1-based): chr13:32,363,283, T>C. VCF-style: chr13-32363283-T-C. GRCh37 (hg19) VCF-style: chr13-32937420-T-C.
Other names: short protein forms I2694T.
Identifiers: ClinVar variation 827437 (VCV000827437.13), dbSNP rs760139297, ClinGen allele CA6941186.

ClinVar aggregate classification (germline): Conflicting classifications of pathogenicity. Review status: criteria provided, conflicting classifications (1 of 4 stars). 2 submissions from 2 submitters: Uncertain significance (1); Likely benign (1). Last evaluated 2025-05-19.

Conditions:
Hereditary cancer-predisposing syndrome. Also called: Neoplastic Syndromes, Hereditary; Tumor predisposition; Hereditary neoplastic syndrome; Hereditary Cancer Syndrome. Identifiers: Orphanet 140162, MedGen C0027672, MeSH D009386, MONDO:0015356.
Hereditary breast ovarian cancer syndrome. Also called: Hereditary breast and ovarian cancer syndrome; Hereditary breast and ovarian cancer; Hereditary breast and ovarian cancer syndrome (HBOC); Breast and ovarian cancer; Hereditary breast and/or ovarian cancer syndrome; BRCA1- and BRCA2-Associated Hereditary Breast and Ovarian Cancer. Identifiers: Orphanet 145, MedGen C0677776, MeSH D061325, MONDO:0003582. Disease mechanism: loss of function.

Allele frequency attached by ClinVar (database versions not stated): gnomAD exomes below 0.00001; ExAC 0.00001.
gnomAD v4.1: 1 of 1,614,184 alleles (0.000062%); highest among the groups gnomAD compares: Non-Finnish European, 0.000085%; no homozygotes.

Submissions (2):

Ambry Genetics
Classification: Likely benign for Hereditary cancer-predisposing syndrome. Last evaluated: 2025-05-19. Review status: criteria provided, single submitter. Criteria: Ambry Variant Classification Scheme 2023. Collection method: clinical testing. Allele origin: germline.

Labcorp Genetics (formerly Invitae), Labcorp
Classification: Uncertain significance for Hereditary breast ovarian cancer syndrome. Last evaluated: 2022-11-08. Review status: criteria provided, single submitter. Criteria: Invitae Variant Classification Sherloc (09022015). Collection method: clinical testing. Allele origin: germline.
Comment: In summary, the available evidence is currently insufficient to determine the role of this variant in disease. Therefore, it has been classified as a Variant of Uncertain Significance. Advanced modeling of protein sequence and biophysical properties (such as structural, functional, and spatial information, amino acid conservation, physicochemical variation, residue mobility, and thermodynamic stability) performed at Invitae indicates that this missense variant is not expected to disrupt BRCA2 protein function. ClinVar contains an entry for this variant (Variation ID: 827437). This variant has not been reported in the literature in individuals affected with BRCA2-related conditions. This variant is present in population databases (rs760139297, gnomAD 0.0009%). This sequence change replaces isoleucine, which is neutral and non-polar, with threonine, which is neutral and polar, at codon 2694 of the BRCA2 protein (p.Ile2694Thr).